The following is an entry in ClinVar:

NM_000264.5(PTCH1):c.1172A>G (p.Lys391Arg)

Gene: PTCH1 (patched 1; minus strand). Cytogenetic location: 9q22.32.
Variant type: single nucleotide variant.
Coding change: c.1172A>G on transcript NM_000264.5 (MANE Select); coding-DNA position 1172, A replaced by G.
Protein change: p.Lys391Arg; replaces lysine 391 with arginine.
Molecular consequence: missense variant. On other transcripts: non-coding transcript variant (1).
Genome position (GRCh38, 1-based): chr9:95,479,043, T>C on the plus strand (A>G on the coding strand, the complement: PTCH1 is on the minus strand). VCF-style: chr9-95479043-T-C. GRCh37 (hg19) VCF-style: chr9-98241325-T-C.
Other names: c.1169A>G, p.Lys390Arg (NM_001083603.3); c.719A>G, p.Lys240Arg (NM_001083604.3, NM_001083605.3, NM_001083606.3 and 1 more transcripts); c.1172A>G, p.Lys391Arg (NM_001354918.2); c.974A>G, p.Lys325Arg (NM_001083602.3); short protein forms K325R, K391R, K240R, K390R.
Identifiers: ClinVar variation 524525 (VCV000524525.10), dbSNP rs1554699163, ClinGen allele CA374119295.

ClinVar aggregate classification (germline): Uncertain significance. Review status: criteria provided, multiple submitters, no conflicts (2 of 4 stars). 2 submissions from 2 submitters: Uncertain significance (2). Last evaluated 2026-08-19.

Conditions:
Hereditary cancer-predisposing syndrome. Also called: Hereditary Cancer Syndrome; Tumor predisposition; Hereditary neoplastic syndrome; Neoplastic Syndromes, Hereditary. Identifiers: Orphanet 140162, MedGen C0027672, MeSH D009386, MONDO:0015356.
Gorlin syndrome. Also called: Nevoid Basal Cell Carcinoma Syndrome; Basal cell nevus syndrome. Identifiers: Orphanet 377, MedGen C0004779, MONDO:0007187.

Submissions (2):

Ambry Genetics
Classification: Uncertain significance for Hereditary cancer-predisposing syndrome. Last evaluated: 2026-08-19. Review status: criteria provided, single submitter. Criteria: Ambry Variant Classification Scheme 2023. Collection method: clinical testing. Allele origin: germline.
Comment: The p.K391R variant (also known as c.1172A>G), located in coding exon 8 of the PTCH1 gene, results from an A to G substitution at nucleotide position 1172. The lysine at codon 391 is replaced by arginine, an amino acid with highly similar properties. This amino acid position is conserved. In addition, this alteration is predicted to be tolerated by in silico analysis. Based on the available evidence, the clinical significance of this variant remains unclear.

Labcorp Genetics (formerly Invitae), Labcorp
Classification: Uncertain significance for Gorlin syndrome. Last evaluated: 2020-09-11. Review status: criteria provided, single submitter. Criteria: Invitae Variant Classification Sherloc (09022015). Collection method: clinical testing. Allele origin: germline.
Comment: This sequence change replaces lysine with arginine at codon 391 of the PTCH1 protein (p.Lys391Arg). The lysine residue is moderately conserved and there is a small physicochemical difference between lysine and arginine. This variant is not present in population databases (ExAC no frequency). This variant has not been reported in the literature in individuals with PTCH1-related disease. Algorithms developed to predict the effect of missense changes on protein structure and function output the following: SIFT: "Tolerated"; PolyPhen-2: "Possibly Damaging"; Align-GVGD: "Class C0". The arginine amino acid residue is found in multiple mammalian species, suggesting that this missense change does not adversely affect protein function. These predictions have not been confirmed by published functional studies and their clinical significance is uncertain. In summary, the available evidence is currently insufficient to determine the role of this variant in disease. Therefore, it has been classified as a Variant of Uncertain Significance.